The following is an entry in ClinVar:

NM_020821.3(VPS13C):c.951G>A (p.Thr317=)

Gene: VPS13C (vacuolar protein sorting 13 homolog C; minus strand). Cytogenetic location: 15q22.2.
Variant type: single nucleotide variant.
Coding change: c.951G>A on transcript NM_020821.3 (MANE Select); coding-DNA position 951, G replaced by A.
Protein change: p.Thr317=; no amino-acid change (threonine 317 retained).
Molecular consequence: synonymous variant.
Genome position (GRCh38, 1-based): chr15:62,010,532, C>T on the plus strand (G>A on the coding strand, the complement: VPS13C is on the minus strand). VCF-style: chr15-62010532-C-T. GRCh37 (hg19) VCF-style: chr15-62302731-C-T.
Other names: c.951G>A, p.Thr317= (NM_001018088.3); c.822G>A, p.Thr274= (NM_017684.5, NM_018080.4); c.951G>A (NM_020821.2).
Identifiers: ClinVar variation 1601628 (VCV001601628.33), dbSNP rs115245671, ClinGen allele CA7597284.

ClinVar aggregate classification (germline): Benign/Likely benign. Review status: criteria provided, multiple submitters, no conflicts (2 of 4 stars). 4 submissions from 4 submitters: Benign (1); Likely benign (2). 1 of the submissions does not count toward it. Last evaluated 2026-09-01.

Conditions:
VPS13C-related disorder. Also called: VPS13C-related condition.

Allele frequency attached by ClinVar (database versions not stated): 1000 Genomes Project 30x 0.00016; gnomAD 0.00016 and 0.00027; 1000 Genomes Project 0.00020; ExAC 0.00049.
gnomAD v4.1: 466 of 1,613,218 alleles (0.029%); highest among the groups gnomAD compares: East Asian, 0.77%; 6 homozygotes.

Submissions (4):

CeGaT Center for Human Genetics Tuebingen
Classification: Likely benign. Last evaluated: 2026-09-01. Review status: criteria provided, single submitter. Criteria: CeGaT Center For Human Genetics Tuebingen Variant Classification Criteria Version 2. Collection method: clinical testing. Allele origin: germline. Affected: yes. Observed: 3 variant alleles.
Comment: VPS13C: BP4, BP7

Labcorp Genetics (formerly Invitae), Labcorp
Classification: Benign. Last evaluated: 2025-10-02. Review status: criteria provided, single submitter. Criteria: Invitae Variant Classification Sherloc (09022015). Collection method: clinical testing. Allele origin: germline.

Blueprint Genetics
Classification: Likely benign. Last evaluated: 2024-11-19. Review status: criteria provided, single submitter. Criteria: ACMG Guidelines, 2015. Collection method: clinical testing. Allele origin: germline.

PreventionGenetics, part of Exact Sciences
Classification: Likely benign for VPS13C-related condition. Last evaluated: 2024-04-25. Review status: no assertion criteria provided. Collection method: clinical testing. Allele origin: germline. Not counted in ClinVar's aggregate classification.
Comment: This variant is classified as likely benign based on ACMG/AMP sequence variant interpretation guidelines (Richards et al. 2015 PMID: 25741868, with internal and published modifications).